The following is an entry in ClinVar:

NM_198578.4(LRRK2):c.7069G>C (p.Val2357Leu)

Gene: LRRK2 (leucine rich repeat kinase 2; plus strand). Cytogenetic location: 12q12.
Variant type: single nucleotide variant.
Coding change: c.7069G>C on transcript NM_198578.4 (MANE Select); coding-DNA position 7069, G replaced by C.
Protein change: p.Val2357Leu; replaces valine 2357 with leucine.
Molecular consequence: missense variant.
Genome position (GRCh38, 1-based): chr12:40,363,442, G>C. VCF-style: chr12-40363442-G-C. GRCh37 (hg19) VCF-style: chr12-40757244-G-C.
Other names: short protein forms V2357L.
Identifiers: ClinVar variation 1756978 (VCV001756978.2), dbSNP rs199794995, ClinGen allele CA384413242.

ClinVar aggregate classification (germline): Uncertain significance (1 of 4 stars; one submission).

Conditions:
Inborn genetic diseases. Identifiers: MedGen C0950123, MeSH D030342.

Submission:

Ambry Genetics
Classification: Uncertain significance for Inborn genetic diseases. Last evaluated: 2021-09-08. Review status: criteria provided, single submitter. Criteria: Ambry Variant Classification Scheme 2023. Collection method: clinical testing. Allele origin: germline.
Comment: The p.V2357L variant (also known as c.7069G>C), located in coding exon 48 of the LRRK2 gene, results from a G to C substitution at nucleotide position 7069. The valine at codon 2357 is replaced by leucine, an amino acid with highly similar properties. This amino acid position is conserved. In addition, this alteration is predicted to be tolerated by in silico analysis. Since supporting evidence is limited at this time, the clinical significance of this alteration remains unclear.